The following is an entry in ClinVar:

ClinVar aggregate classification (germline): Likely benign (1 of 4 stars; one submission).

gnomAD v4.1: 148 of 1,538,752 alleles (0.0096%); highest among the groups gnomAD compares: African/African-American, 0.044%; 1 homozygote.

Submission:

CeGaT Center for Human Genetics Tuebingen
Classification: Likely benign. Last evaluated: 2026-07-01. Review status: criteria provided, single submitter. Criteria: CeGaT Center For Human Genetics Tuebingen Variant Classification Criteria Version 2. Collection method: clinical testing. Allele origin: germline. Affected: yes. Observed: 1 variant allele.
Comment: FBXO28: BP4

NM_015176.4(FBXO28):c.-1G>A

Genes: FBXO28 (F-box protein 28; plus strand), LOC129932579 (ATAC-STARR-seq lymphoblastoid active region 2598; plus strand). Cytogenetic location: 1q42.11.
Variant type: single nucleotide variant.
Coding change: c.-1G>A on transcript NM_015176.4 (MANE Select); 1 bases upstream of the start codon, G replaced by A.
Molecular consequence: 5 prime UTR variant. On other transcripts: non-coding transcript variant (1).
Genome position (GRCh38, 1-based): chr1:224,114,129, G>A. VCF-style: chr1-224114129-G-A. GRCh37 (hg19) VCF-style: chr1-224301831-G-A.
Other names: c.-1G>A (NM_001136115.3).
Identifiers: ClinVar variation 5038932 (VCV005038932.1).